The following is an entry in ClinVar:

ClinVar aggregate classification (germline): Uncertain significance (1 of 4 stars; one submission).

Conditions:
Cardiovascular phenotype. Identifiers: MedGen CN230736.

Submission:

Ambry Genetics
Classification: Uncertain significance for Cardiovascular phenotype. Last evaluated: 2023-09-30. Review status: criteria provided, single submitter. Criteria: Ambry Variant Classification Scheme 2023. Collection method: clinical testing. Allele origin: germline.
Comment: The p.A615T variant (also known as c.1843G>A), located in coding exon 9 of the MYPN gene, results from a G to A substitution at nucleotide position 1843. The alanine at codon 615 is replaced by threonine, an amino acid with similar properties. This amino acid position is conserved. In addition, this alteration is predicted to be tolerated by in silico analysis. Since supporting evidence is limited at this time, the clinical significance of this alteration remains unclear.

NM_032578.4(MYPN):c.1843G>A (p.Ala615Thr)

Gene: MYPN (myopalladin; plus strand). Cytogenetic location: 10q21.3.
Variant type: single nucleotide variant.
Coding change: c.1843G>A on transcript NM_032578.4 (MANE Select); coding-DNA position 1843, G replaced by A.
Protein change: p.Ala615Thr; replaces alanine 615 with threonine.
Molecular consequence: missense variant. On other transcripts: non-coding transcript variant (2).
Genome position (GRCh38, 1-based): chr10:68,166,536, G>A. VCF-style: chr10-68166536-G-A. GRCh37 (hg19) VCF-style: chr10-69926293-G-A.
Other names: c.1843G>A, p.Ala615Thr (NM_001256267.2); c.961G>A, p.Ala321Thr (NM_001256268.2); short protein forms A321T, A615T.
Identifiers: ClinVar variation 3228157 (VCV003228157.1), dbSNP rs2495736745, ClinGen allele CA376840431.